The following is an entry in ClinVar:

ClinVar aggregate classification (germline): Uncertain significance (1 of 4 stars; one submission).

gnomAD v4.1: 45 of 1,613,970 alleles (0.0028%); highest among the groups gnomAD compares: Non-Finnish European, 0.0037%; no homozygotes.

Submission:

Labcorp Genetics (formerly Invitae), Labcorp
Classification: Uncertain significance. Last evaluated: 2025-02-11. Review status: criteria provided, single submitter. Criteria: Invitae Variant Classification Sherloc (09022015). Collection method: clinical testing. Allele origin: germline.
Comment: This sequence change replaces asparagine, which is neutral and polar, with threonine, which is neutral and polar, at codon 267 of the IGF1R protein (p.Asn267Thr). This variant is present in population databases (rs200681134, gnomAD 0.004%). This variant has not been reported in the literature in individuals affected with IGF1R-related conditions. Invitae Evidence Modeling of protein sequence and biophysical properties (such as structural, functional, and spatial information, amino acid conservation, physicochemical variation, residue mobility, and thermodynamic stability) indicates that this missense variant is not expected to disrupt IGF1R protein function with a negative predictive value of 80%. In summary, the available evidence is currently insufficient to determine the role of this variant in disease. Therefore, it has been classified as a Variant of Uncertain Significance.

NM_000875.5(IGF1R):c.800A>C (p.Asn267Thr)

Gene: IGF1R (insulin like growth factor 1 receptor; plus strand). Cytogenetic location: 15q26.3.
Variant type: single nucleotide variant.
Coding change: c.800A>C on transcript NM_000875.5 (MANE Select); coding-DNA position 800, A replaced by C.
Protein change: p.Asn267Thr; replaces asparagine 267 with threonine.
Molecular consequence: missense variant.
Genome position (GRCh38, 1-based): chr15:98,891,484, A>C. VCF-style: chr15-98891484-A-C. GRCh37 (hg19) VCF-style: chr15-99434713-A-C.
Other names: c.800A>C, p.Asn267Thr (NM_001291858.2); short protein forms N267T.
Identifiers: ClinVar variation 3626481 (VCV003626481.2).